The following is an entry in ClinVar:

ClinVar aggregate classification (germline): Uncertain significance (1 of 4 stars; one submission).

gnomAD v4.1: 82 of 1,550,402 alleles (0.0053%); highest among the groups gnomAD compares: Admixed American, 0.0078%; no homozygotes.

Submission:

Dasa
Classification: Uncertain significance. Last evaluated: 2025-11-21. Review status: criteria provided, single submitter. Criteria: DASA Assertion Criteria. Collection method: clinical testing. Allele origin: germline.
Comment: NM_001378120.1(MBD5):c.3227T>C (p.Val1076Ala) is a missense variant that results in the substitution of valine with alanine. This variant is rare in population databases. Computational prediction algorithms are consistent with a benign effect. The currently available literature and clinical evidence are not sufficient to establish a definitive association between this variant and the reported condition. Therefore, this variant is classified as a variant of uncertain significance.

NM_001378120.1(MBD5):c.3227T>C (p.Val1076Ala)

Gene: MBD5 (methyl-CpG binding domain protein 5; plus strand). Cytogenetic location: 2q23.1.
Variant type: single nucleotide variant.
Coding change: c.3227T>C on transcript NM_001378120.1 (MANE Select); coding-DNA position 3227, T replaced by C.
Protein change: p.Val1076Ala; replaces valine 1076 with alanine.
Molecular consequence: missense variant. On other transcripts: intron variant (6).
Genome position (GRCh38, 1-based): chr2:148,483,818, T>C. VCF-style: chr2-148483818-T-C. GRCh37 (hg19) VCF-style: chr2-149241387-T-C.
Other names: c.3227T>C, p.Val1076Ala (NM_001438854.1, NM_001438856.1, NM_001438857.1 and 1 more transcripts); c.2845+382T>C (NM_018328.5, NM_001438862.1, NM_001438860.1 and 3 more transcripts); short protein forms V1076A.
Identifiers: ClinVar variation 4882027 (VCV004882027.2).
Genomic context (GRCh38, chr2:148,483,818, plus strand): 5'-ACCCTTTACCAAGCTTTGCAGGCAGTGACACTACTTTTAACCCCCTGTTCCTCCCAGCTG[T>C]CAATGGGGCCTCAGGATTAATGACCTTGAATCCCCAGCTGTTGGGAGGTGTCCTGAACTC-3'
Protein context (NP_001365049.1, residues 1066-1086): TTFNPLFLPA[Val1076Ala]NGASGLMTLN